The following is an entry in ClinVar:

NM_001197104.2(KMT2A):c.2714T>C (p.Leu905Ser)

Gene: KMT2A (lysine methyltransferase 2A; plus strand). Cytogenetic location: 11q23.3.
Variant type: single nucleotide variant.
Coding change: c.2714T>C on transcript NM_001197104.2 (MANE Select); coding-DNA position 2714, T replaced by C.
Protein change: p.Leu905Ser; replaces leucine 905 with serine.
Molecular consequence: missense variant.
Genome position (GRCh38, 1-based): chr11:118,473,873, T>C. VCF-style: chr11-118473873-T-C. GRCh37 (hg19) VCF-style: chr11-118344588-T-C.
Other names: c.2813T>C, p.Leu938Ser (NM_001412597.1); c.2714T>C, p.Leu905Ser (NM_005933.4); short protein forms L905S, L938S.
Identifiers: ClinVar variation 1966166 (VCV001966166.6), dbSNP rs2496814614, ClinGen allele CA382817288.

ClinVar aggregate classification (germline): Uncertain significance. Review status: criteria provided, multiple submitters, no conflicts (2 of 4 stars). 2 submissions from 2 submitters: Uncertain significance (2). Last evaluated 2024-01-11.

Conditions:
KMT2A-related disorder. Also called: KMT2A-related condition.

Submissions (2):

Labcorp Genetics (formerly Invitae), Labcorp
Classification: Uncertain significance. Last evaluated: 2024-01-11. Review status: criteria provided, single submitter. Criteria: Invitae Variant Classification Sherloc (09022015). Collection method: clinical testing. Allele origin: germline.
Comment: This sequence change replaces leucine, which is neutral and non-polar, with serine, which is neutral and polar, at codon 905 of the KMT2A protein (p.Leu905Ser). This variant is not present in population databases (gnomAD no frequency). This variant has not been reported in the literature in individuals affected with KMT2A-related conditions. ClinVar contains an entry for this variant (Variation ID: 1966166). Advanced modeling of protein sequence and biophysical properties (such as structural, functional, and spatial information, amino acid conservation, physicochemical variation, residue mobility, and thermodynamic stability) performed at Invitae indicates that this missense variant is not expected to disrupt KMT2A protein function with a negative predictive value of 95%. In summary, the available evidence is currently insufficient to determine the role of this variant in disease. Therefore, it has been classified as a Variant of Uncertain Significance.

PreventionGenetics, part of Exact Sciences
Classification: Uncertain significance for KMT2A-related condition. Last evaluated: 2023-02-24. Review status: criteria provided, single submitter. Criteria: ACMG Guidelines, 2015. Collection method: clinical testing. Allele origin: germline.
Comment: The KMT2A c.2714T>C variant is predicted to result in the amino acid substitution p.Leu905Ser. To our knowledge, this variant has not been reported in the literature or in a large population database, indicating this variant is rare. At this time, the clinical significance of this variant is uncertain due to the absence of conclusive functional and genetic evidence.